The following is an entry in ClinVar:

NM_000018.4(ACADVL):c.247A>G (p.Thr83Ala)

Gene: ACADVL (acyl-CoA dehydrogenase very long chain; plus strand). Cytogenetic location: 17p13.1.
Variant type: single nucleotide variant.
Coding change: c.247A>G on transcript NM_000018.4 (MANE Select); coding-DNA position 247, A replaced by G.
Protein change: p.Thr83Ala; replaces threonine 83 with alanine.
Molecular consequence: missense variant.
Genome position (GRCh38, 1-based): chr17:7,220,646, A>G. VCF-style: chr17-7220646-A-G. GRCh37 (hg19) VCF-style: chr17-7123965-A-G.
Other names: c.181A>G, p.Thr61Ala (NM_001033859.3); c.316A>G, p.Thr106Ala (NM_001270447.2); c.19A>G, p.Thr7Ala (NM_001270448.2); short protein forms T61A, T106A, T83A, T7A.
Identifiers: ClinVar variation 1477740 (VCV001477740.5), dbSNP rs1339560413, ClinGen allele CA397722416.

ClinVar aggregate classification (germline): Uncertain significance (1 of 4 stars; one submission).

Conditions:
Very long chain acyl-CoA dehydrogenase deficiency (ACADVLD). Also called: VLCAD Deficiency; Very Long-Chain Acyl-Coenzyme A Dehydrogenase Deficiency. Identifiers: Orphanet 26793, MedGen C3887523, MONDO:0008723, OMIM 201475.

Allele frequency attached by ClinVar (database versions not stated): gnomAD exomes below 0.00001.
gnomAD v4.1: 2 of 1,614,178 alleles (0.00012%); highest among the groups gnomAD compares: South Asian, 0.0022%; no homozygotes.

Submission:

Labcorp Genetics (formerly Invitae), Labcorp
Classification: Uncertain significance for Very long chain acyl-CoA dehydrogenase deficiency. Last evaluated: 2024-11-03. Review status: criteria provided, single submitter. Criteria: Invitae Variant Classification Sherloc (09022015). Collection method: clinical testing. Allele origin: germline.
Comment: This sequence change replaces threonine, which is neutral and polar, with alanine, which is neutral and non-polar, at codon 83 of the ACADVL protein (p.Thr83Ala). This variant is present in population databases (no rsID available, gnomAD 0.003%). This variant has not been reported in the literature in individuals affected with ACADVL-related conditions. ClinVar contains an entry for this variant (Variation ID: 1477740). Invitae Evidence Modeling of protein sequence and biophysical properties (such as structural, functional, and spatial information, amino acid conservation, physicochemical variation, residue mobility, and thermodynamic stability) indicates that this missense variant is not expected to disrupt ACADVL protein function with a negative predictive value of 80%. In summary, the available evidence is currently insufficient to determine the role of this variant in disease. Therefore, it has been classified as a Variant of Uncertain Significance.